The following is an entry in ClinVar:

NM_138459.5(NUS1):c.302del (p.Met101fs)

Gene: NUS1 (NUS1 dehydrodolichyl diphosphate synthase subunit; plus strand). Cytogenetic location: 6q22.1.
Variant type: Deletion.
Coding change: c.302del on transcript NM_138459.5 (MANE Select); coding-DNA position 302, one base deleted (T; older notation c.302delT).
Protein change: p.Met101fs; shifts the reading frame from methionine 101.
Molecular consequence: frameshift variant.
Genome position (GRCh38, 1-based): chr6:117,675,972, T deleted. VCF-style (leftmost placement, unchanged base first): chr6-117675971-AT-A. GRCh37 (hg19) VCF-style: chr6-117997134-AT-A.
Other names: short protein forms M101fs.
Identifiers: ClinVar variation 4722823 (VCV004722823.1).

ClinVar aggregate classification (germline): Pathogenic (1 of 4 stars; one submission).

Conditions:
Congenital disorder of glycosylation, type Iaa. Also called: Congenital disorder of glycosylation, type 1aa. Identifiers: MedGen C4310727, MONDO:0014904, OMIM 617082.

Submission:

Labcorp Genetics (formerly Invitae), Labcorp
Classification: Pathogenic for Congenital disorder of glycosylation, type Iaa. Last evaluated: 2025-07-07. Review status: criteria provided, single submitter. Criteria: Invitae Variant Classification Sherloc (09022015). Collection method: clinical testing. Allele origin: germline.
Comment: This sequence change creates a premature translational stop signal (p.Met101Argfs*4) in the NUS1 gene. It is expected to result in an absent or disrupted protein product. Loss-of-function variants in NUS1 are known to be pathogenic (PMID: 29100083). This variant is not present in population databases (gnomAD no frequency). This variant has not been reported in the literature in individuals affected with NUS1-related conditions. For these reasons, this variant has been classified as Pathogenic.

Literature cited by the submitters: PubMed 29100083.